The following is an entry in ClinVar:

ClinVar aggregate classification (germline): Pathogenic (1 of 4 stars; one submission).

Conditions:
Cardiovascular phenotype. Identifiers: MedGen CN230736.

Submission:

Ambry Genetics
Classification: Pathogenic for Cardiovascular phenotype. Last evaluated: 2026-06-12. Review status: criteria provided, single submitter. Criteria: Ambry Variant Classification Scheme 2023. Collection method: clinical testing. Allele origin: germline.
Comment: The p.Y749* pathogenic mutation (also known as c.2247C>A), located in coding exon 23 of the MYBPC3 gene, results from a C to A substitution at nucleotide position 2247. This changes the amino acid from a tyrosine to a stop codon within coding exon 23. This variant was reported in individual(s) with features consistent with hypertrophic cardiomyopathy (HCM) (Walsh R et al. Genet Med, 2017 Feb;19:192-203). This variant is considered to be rare based on population cohorts in the Genome Aggregation Database (gnomAD). This alteration is expected to result in loss of function by premature protein truncation or nonsense-mediated mRNA decay. As such, this alteration is interpreted as a disease-causing mutation.

Literature cited by the submitters: PubMed 27532257.

NM_000256.3(MYBPC3):c.2247C>A (p.Tyr749Ter)

Gene: MYBPC3 (myosin binding protein C3; minus strand). Cytogenetic location: 11p11.2.
Variant type: single nucleotide variant.
Coding change: c.2247C>A on transcript NM_000256.3 (MANE Select); coding-DNA position 2247, C replaced by A.
Protein change: p.Tyr749Ter; replaces tyrosine 749 with a stop codon.
Molecular consequence: nonsense.
Genome position (GRCh38, 1-based): chr11:47,338,581, G>T on the plus strand (C>A on the coding strand, the complement: MYBPC3 is on the minus strand). VCF-style: chr11-47338581-G-T. GRCh37 (hg19) VCF-style: chr11-47360132-G-T.
Other names: short protein forms Y749*.
Identifiers: ClinVar variation 4860512 (VCV004860512.1).